The following is an entry in ClinVar:

ClinVar aggregate classification (germline): Uncertain significance. Review status: criteria provided, multiple submitters, no conflicts (2 of 4 stars). 5 submissions from 5 submitters: Uncertain significance (5). Last evaluated 2025-08-10.

Conditions:
Hereditary cancer-predisposing syndrome. Also called: Hereditary neoplastic syndrome; Neoplastic Syndromes, Hereditary; Hereditary Cancer Syndrome; Tumor predisposition. Identifiers: Orphanet 140162, MedGen C0027672, MeSH D009386, MONDO:0015356.

Allele frequency attached by ClinVar (database versions not stated): gnomAD exomes below 0.00001.
gnomAD v4.1: 2 of 1,614,060 alleles (0.00012%); highest among the groups gnomAD compares: African/African-American, 0.0013%; no homozygotes.

Submissions (5):

Ambry Genetics
Classification: Uncertain significance for Hereditary cancer-predisposing syndrome. Last evaluated: 2025-08-10. Review status: criteria provided, single submitter. Criteria: Ambry Variant Classification Scheme 2023. Collection method: clinical testing. Allele origin: germline.
Comment: The p.T56A variant (also known as c.166A>G), located in coding exon 2 of the FH gene, results from an A to G substitution at nucleotide position 166. The threonine at codon 56 is replaced by alanine, an amino acid with similar properties. This amino acid position is highly conserved in available vertebrate species. In addition, this alteration is predicted to be deleterious by in silico analysis. Since supporting evidence is limited at this time, the clinical significance of this alteration remains unclear.

Center for Genomic Medicine, Rigshospitalet, Copenhagen University Hospital
Classification: Uncertain significance. Last evaluated: 2025-03-04. Review status: criteria provided, single submitter. Criteria: ACMG Guidelines, 2015. Collection method: clinical testing. Allele origin: germline.

Labcorp Genetics (formerly Invitae), Labcorp
Classification: Uncertain significance. Last evaluated: 2025-02-04. Review status: criteria provided, single submitter. Criteria: Invitae Variant Classification Sherloc (09022015). Collection method: clinical testing. Allele origin: germline.
Comment: This sequence change replaces threonine, which is neutral and polar, with alanine, which is neutral and non-polar, at codon 56 of the FH protein (p.Thr56Ala). This variant is present in population databases (no rsID available, gnomAD 0.007%). This variant has not been reported in the literature in individuals affected with FH-related conditions. ClinVar contains an entry for this variant (Variation ID: 529825). Invitae Evidence Modeling of protein sequence and biophysical properties (such as structural, functional, and spatial information, amino acid conservation, physicochemical variation, residue mobility, and thermodynamic stability) has been performed for this missense variant. However, the output from this modeling did not meet the statistical confidence thresholds required to predict the impact of this variant on FH protein function. In summary, the available evidence is currently insufficient to determine the role of this variant in disease. Therefore, it has been classified as a Variant of Uncertain Significance.

Quest Diagnostics Nichols Institute San Juan Capistrano
Classification: Uncertain significance. Last evaluated: 2022-09-02. Review status: criteria provided, single submitter. Criteria: Quest Diagnostics criteria. Collection method: clinical testing. Allele origin: unknown.
Comment: The variant has not been reported in individuals with FH-related conditions in the published literature. The frequency of this variant in the general population, 0.000004 (1/251404 chromosomes), is uninformative in assessment of its pathogenicity. Analysis of this variant using bioinformatics tools for the prediction of the effect of amino acid changes on protein structure and function yielded conflicting predictions that this variant is deleterious or benign. Based on the available information, we are unable to determine the clinical significance of this variant.

Institute for Clinical Genetics, University Hospital TU Dresden, University Hospital TU Dresden
Classification: Uncertain significance. Last evaluated: 2021-11-03. Review status: criteria provided, single submitter. Criteria: ACMG Guidelines, 2015. Collection method: clinical testing. Allele origin: germline.

NM_000143.4(FH):c.166A>G (p.Thr56Ala)

Gene: FH (fumarate hydratase; minus strand). Cytogenetic location: 1q43.
Variant type: single nucleotide variant.
Coding change: c.166A>G on transcript NM_000143.4 (MANE Select); coding-DNA position 166, A replaced by G.
Protein change: p.Thr56Ala; replaces threonine 56 with alanine.
Molecular consequence: missense variant.
Genome position (GRCh38, 1-based): chr1:241,517,283, T>C on the plus strand (A>G on the coding strand, the complement: FH is on the minus strand). VCF-style: chr1-241517283-T-C. GRCh37 (hg19) VCF-style: chr1-241680583-T-C.
Other names: short protein forms T56A.
Identifiers: ClinVar variation 529825 (VCV000529825.17), dbSNP rs1232573732, ClinGen allele CA345441963.